The following is an entry in ClinVar:

ClinVar aggregate classification (germline): Uncertain significance (1 of 4 stars; one submission).

gnomAD v4.1: 145 of 1,614,096 alleles (0.009%); highest among the groups gnomAD compares: African/African-American, 0.18%; no homozygotes.

Submission:

Labcorp Genetics (formerly Invitae), Labcorp
Classification: Uncertain significance. Last evaluated: 2025-09-29. Review status: criteria provided, single submitter. Criteria: Invitae Variant Classification Sherloc (09022015). Collection method: clinical testing. Allele origin: germline.
Comment: This sequence change replaces histidine, which is basic and polar, with glutamine, which is neutral and polar, at codon 201 of the FBXW4 protein (p.His201Gln). This variant is present in population databases (rs146885567, gnomAD 0.2%). This variant has not been reported in the literature in individuals affected with FBXW4-related conditions. An algorithm developed to predict the effect of missense changes on protein structure and function (PolyPhen-2) suggests that this variant is likely to be disruptive. In summary, the available evidence is currently insufficient to determine the role of this variant in disease. Therefore, it has been classified as a Variant of Uncertain Significance.

NM_022039.4(FBXW4):c.1068T>A (p.His356Gln)

Gene: FBXW4 (F-box and WD repeat domain containing 4; minus strand). Cytogenetic location: 10q24.32.
Variant type: single nucleotide variant.
Coding change: c.1068T>A on transcript NM_022039.4 (MANE Select); coding-DNA position 1068, T replaced by A.
Protein change: p.His356Gln; replaces histidine 356 with glutamine.
Molecular consequence: missense variant. On other transcripts: non-coding transcript variant (1).
Genome position (GRCh38, 1-based): chr10:101,672,987, A>T on the plus strand (T>A on the coding strand, the complement: FBXW4 is on the minus strand). VCF-style: chr10-101672987-A-T. GRCh37 (hg19) VCF-style: chr10-103432744-A-T.
Other names: c.342T>A, p.His114Gln (NM_001323541.2); short protein forms H114Q, H356Q.
Identifiers: ClinVar variation 4802196 (VCV004802196.1).